The following is an entry in ClinVar:

ClinVar aggregate classification (germline): Uncertain significance (1 of 4 stars; one submission).

Conditions:
Dilated cardiomyopathy 1O (CMD1O). Also called: CARDIOMYOPATHY, DILATED, WITH VENTRICULAR TACHYCARDIA. Identifiers: Orphanet 154, MedGen C1837839, MONDO:0012062, OMIM 608569.

Allele frequency attached by ClinVar (database versions not stated): ExAC 0.00001; gnomAD 0.00001; gnomAD exomes 0.00001.
gnomAD v4.1: 4 of 1,611,694 alleles (0.00025%); highest among the groups gnomAD compares: East Asian, 0.0089%; no homozygotes.

Submission:

Labcorp Genetics (formerly Invitae), Labcorp
Classification: Uncertain significance for Dilated cardiomyopathy 1O. Last evaluated: 2024-11-04. Review status: criteria provided, single submitter. Criteria: Invitae Variant Classification Sherloc (09022015). Collection method: clinical testing. Allele origin: germline.
Comment: This sequence change replaces methionine, which is neutral and non-polar, with threonine, which is neutral and polar, at codon 425 of the ABCC9 protein (p.Met425Thr). The frequency data for this variant in the population databases is considered unreliable, as metrics indicate poor data quality at this position in the gnomAD database. This variant has not been reported in the literature in individuals affected with ABCC9-related conditions. ClinVar contains an entry for this variant (Variation ID: 1973006). Invitae Evidence Modeling of protein sequence and biophysical properties (such as structural, functional, and spatial information, amino acid conservation, physicochemical variation, residue mobility, and thermodynamic stability) indicates that this missense variant is expected to disrupt ABCC9 protein function with a positive predictive value of 80%. In summary, the available evidence is currently insufficient to determine the role of this variant in disease. Therefore, it has been classified as a Variant of Uncertain Significance.

NM_020297.4(ABCC9):c.1274T>C (p.Met425Thr)

Gene: ABCC9 (ATP binding cassette subfamily C member 9; minus strand). Cytogenetic location: 12p12.1.
Variant type: single nucleotide variant.
Coding change: c.1274T>C on transcript NM_020297.4 (MANE Select); coding-DNA position 1274, T replaced by C.
Protein change: p.Met425Thr; replaces methionine 425 with threonine.
Molecular consequence: missense variant.
Genome position (GRCh38, 1-based): chr12:21,910,203, A>G on the plus strand (T>C on the coding strand, the complement: ABCC9 is on the minus strand). VCF-style: chr12-21910203-A-G. GRCh37 (hg19) VCF-style: chr12-22063137-A-G.
Other names: c.1274T>C, p.Met425Thr (NM_001377273.1, NM_005691.4); c.410T>C, p.Met137Thr (NM_001377274.1); short protein forms M137T, M425T.
Identifiers: ClinVar variation 1973006 (VCV001973006.3), dbSNP rs751307815, ClinGen allele CA6481698.